The following is an entry in ClinVar:

ClinVar aggregate classification (germline): Uncertain significance (1 of 4 stars; one submission).

Submission:

Labcorp Genetics (formerly Invitae), Labcorp
Classification: Uncertain significance. Last evaluated: 2021-12-22. Review status: criteria provided, single submitter. Criteria: Invitae Variant Classification Sherloc (09022015). Collection method: clinical testing. Allele origin: germline.
Comment: This variant, c.4448_4465del, results in the deletion of 6 amino acid(s) of the RAI1 protein (p.Gly1483_Ser1488del), but otherwise preserves the integrity of the reading frame. This variant is not present in population databases (gnomAD no frequency). This variant has not been reported in the literature in individuals affected with RAI1-related conditions. Experimental studies and prediction algorithms are not available or were not evaluated, and the functional significance of this variant is currently unknown. In summary, the available evidence is currently insufficient to determine the role of this variant in disease. Therefore, it has been classified as a Variant of Uncertain Significance.

NM_030665.4(RAI1):c.4448_4465del (p.Gly1483_Ser1488del)

Gene: RAI1 (retinoic acid induced 1; plus strand). Cytogenetic location: 17p11.2.
Variant type: Deletion.
Coding change: c.4448_4465del on transcript NM_030665.4 (MANE Select); coding-DNA positions 4448 to 4465, 18 bases deleted (GCACACAAGGGGCCAGTG).
Protein change: p.Gly1483_Ser1488del.
Molecular consequence: inframe deletion.
Genome position (GRCh38, 1-based): chr17:17,797,396-17,797,413, GCACACAAGGGGCCAGTG deleted; deleting any 18 consecutive bases within chr17:17,797,387-17,797,413 gives the same sequence; the c. name uses the placement nearest the transcript's 3' end. VCF-style (leftmost placement, unchanged base first): chr17-17797386-AGGGCCAGTGGCACACAAG-A. GRCh37 (hg19) VCF-style: chr17-17700700-AGGGCCAGTGGCACACAAG-A.
Identifiers: ClinVar variation 1424438 (VCV001424438.6), dbSNP rs2143003031, ClinGen allele CA2573153184.